The following is an entry in ClinVar:

ClinVar aggregate classification (germline): Uncertain significance (1 of 4 stars; one submission).

Conditions:
Cardiovascular phenotype. Identifiers: MedGen CN230736.

Submission:

Ambry Genetics
Classification: Uncertain significance for Cardiovascular phenotype. Last evaluated: 2025-12-04. Review status: criteria provided, single submitter. Criteria: Ambry Variant Classification Scheme 2023. Collection method: clinical testing. Allele origin: germline.
Comment: The p.Q1380K variant (also known as c.4138C>A), located in coding exon 50 of the COL1A1 gene, results from a C to A substitution at nucleotide position 4138. The glutamine at codon 1380 is replaced by lysine, an amino acid with similar properties. This amino acid position is conserved. In addition, this alteration is predicted to be tolerated by in silico analysis. Based on the available evidence, the clinical significance of this variant remains unclear.

NM_000088.4(COL1A1):c.4138C>A (p.Gln1380Lys)

Gene: COL1A1 (collagen type I alpha 1 chain; minus strand). Cytogenetic location: 17q21.33.
Variant type: single nucleotide variant.
Coding change: c.4138C>A on transcript NM_000088.4 (MANE Select); coding-DNA position 4138, C replaced by A.
Protein change: p.Gln1380Lys; replaces glutamine 1380 with lysine.
Molecular consequence: missense variant.
Genome position (GRCh38, 1-based): chr17:50,185,888, G>T on the plus strand (C>A on the coding strand, the complement: COL1A1 is on the minus strand). VCF-style: chr17-50185888-G-T. GRCh37 (hg19) VCF-style: chr17-48263249-G-T.
Other names: short protein forms Q1380K.
Identifiers: ClinVar variation 4613921 (VCV004613921.1).